The following is an entry in ClinVar:

ClinVar aggregate classification (germline): Uncertain significance (1 of 4 stars; one submission).

Conditions:
Cardiovascular phenotype. Identifiers: MedGen CN230736.

Submission:

Ambry Genetics
Classification: Uncertain significance for Cardiovascular phenotype. Last evaluated: 2024-12-12. Review status: criteria provided, single submitter. Criteria: Ambry Variant Classification Scheme 2023. Collection method: clinical testing. Allele origin: germline.
Comment: The p.T814I variant (also known as c.2441C>T), located in coding exon 16 of the CBL gene, results from a C to T substitution at nucleotide position 2441. The threonine at codon 814 is replaced by isoleucine, an amino acid with similar properties. This amino acid position is conserved. In addition, this alteration is predicted to be tolerated by in silico analysis. Based on the available evidence, the clinical significance of this variant remains unclear.

NM_005188.4(CBL):c.2441C>T (p.Thr814Ile)

Gene: CBL (Cbl proto-oncogene; plus strand). Cytogenetic location: 11q23.3.
Variant type: single nucleotide variant.
Coding change: c.2441C>T on transcript NM_005188.4 (MANE Select); coding-DNA position 2441, C replaced by T.
Protein change: p.Thr814Ile; replaces threonine 814 with isoleucine.
Molecular consequence: missense variant.
Genome position (GRCh38, 1-based): chr11:119,299,501, C>T. VCF-style: chr11-119299501-C-T. GRCh37 (hg19) VCF-style: chr11-119170211-C-T.
Other names: short protein forms T814I.
Identifiers: ClinVar variation 3827775 (VCV003827775.1).
Genomic context (GRCh38, chr11:119,299,501, plus strand): 5'-GTTAAATGAGGATTTCCCCAGATTTGCAAATATTTTCTTTCCTATTTCTTCTAGATGTCA[C>T]TGAAGGTTCCCAAGTTCCCGAGAGGCCTCCAAAACCATTCCCGCGGAGAATCAACTCTGA-3'
Protein context (NP_005179.2, residues 804-824): SLDGDPTTNV[Thr814Ile]EGSQVPERPP